The following is an entry in ClinVar:

NM_003504.5(CDC45):c.1592A>G (p.Glu531Gly)

Gene: CDC45 (cell division cycle 45; plus strand). Cytogenetic location: 22q11.21.
Variant type: single nucleotide variant.
Coding change: c.1592A>G on transcript NM_003504.5 (MANE Select); coding-DNA position 1592, A replaced by G.
Protein change: p.Glu531Gly; replaces glutamic acid 531 with glycine.
Molecular consequence: missense variant. On other transcripts: non-coding transcript variant (1).
Genome position (GRCh38, 1-based): chr22:19,516,849, A>G. VCF-style: chr22-19516849-A-G. GRCh37 (hg19) VCF-style: chr22-19504372-A-G.
Other names: c.1688A>G, p.Glu563Gly (NM_001178010.2); c.1454A>G, p.Glu485Gly (NM_001178011.2); c.1556A>G, p.Glu519Gly (NM_001369291.1); short protein forms E563G, E485G, E519G, E531G.
Identifiers: ClinVar variation 2101864 (VCV002101864.4), dbSNP rs2517684694, ClinGen allele CA410669606.

ClinVar aggregate classification (germline): Uncertain significance (1 of 4 stars; one submission).

Submission:

Labcorp Genetics (formerly Invitae), Labcorp
Classification: Uncertain significance. Last evaluated: 2025-09-08. Review status: criteria provided, single submitter. Criteria: Invitae Variant Classification Sherloc (09022015). Collection method: clinical testing. Allele origin: germline.
Comment: This sequence change replaces glutamic acid, which is acidic and polar, with glycine, which is neutral and non-polar, at codon 563 of the CDC45 protein (p.Glu563Gly). This variant is not present in population databases (gnomAD no frequency). This variant has not been reported in the literature in individuals affected with CDC45-related conditions. ClinVar contains an entry for this variant (Variation ID: 2101864). An algorithm developed to predict the effect of missense changes on protein structure and function (PolyPhen-2) suggests that this variant is likely to be disruptive. In summary, the available evidence is currently insufficient to determine the role of this variant in disease. Therefore, it has been classified as a Variant of Uncertain Significance.